The following is an entry in ClinVar:

ClinVar aggregate classification (germline): Likely pathogenic (1 of 4 stars; one submission).

Conditions:
Autosomal recessive nonsyndromic hearing loss 4 (DFNB4). Also called: Deafness, autosomal recessive 4; FOXI1-Related Pendred Syndrome; KCNJ10-Related Pendred Syndrome; DEAFNESS, AUTOSOMAL RECESSIVE 4, WITH ENLARGED VESTIBULAR AQUEDUCT, DIGENIC; NEUROSENSORY NONSYNDROMIC RECESSIVE DEAFNESS 4; Nonsyndromic enlarged vestibular aqueduct (NSEVA). Identifiers: Orphanet 90636, MedGen C3538946, MONDO:0010933, OMIM 600791.

Submission:

Institute of Rare Diseases, West China Hospital, Sichuan University
Classification: Likely pathogenic for Autosomal recessive nonsyndromic hearing loss 4. Last evaluated: 2025-01-09. Review status: criteria provided, single submitter. Criteria: ClinGen HL ACMG Specifications v1. Collection method: research. Allele origin: germline. Affected: yes.
Comment: PVS1;PM2_Supporting

NM_000441.2(SLC26A4):c.976_977del (p.Gly326fs)

Gene: SLC26A4 (solute carrier family 26 member 4; plus strand). Cytogenetic location: 7q22.3.
Variant type: Deletion.
Coding change: c.976_977del on transcript NM_000441.2 (MANE Select); coding-DNA positions 976 to 977, 2 bases deleted (GG; older notation c.976_977delGG).
Protein change: p.Gly326fs; shifts the reading frame from glycine 326.
Molecular consequence: frameshift variant.
Genome position (GRCh38, 1-based): chr7:107,683,512-107,683,513, GG deleted. VCF-style (leftmost placement, unchanged base first): chr7-107683511-TGG-T. GRCh37 (hg19) VCF-style: chr7-107323956-TGG-T.
Other names: short protein forms G326fs.
Identifiers: ClinVar variation 3601793 (VCV003601793.1).